The following is an entry in ClinVar:

ClinVar aggregate classification (germline): Uncertain significance (1 of 4 stars; one submission).

Conditions:
Cardiovascular phenotype. Identifiers: MedGen CN230736.

Submission:

Ambry Genetics
Classification: Uncertain significance for Cardiovascular phenotype. Last evaluated: 2024-03-17. Review status: criteria provided, single submitter. Criteria: Ambry Variant Classification Scheme 2023. Collection method: clinical testing. Allele origin: germline.
Comment: The p.P1102A variant (also known as c.3304C>G), located in coding exon 2 of the ZNF469 gene, results from a C to G substitution at nucleotide position 3304. The proline at codon 1102 is replaced by alanine, an amino acid with highly similar properties. This amino acid position is conserved. In addition, this alteration is predicted to be tolerated by in silico analysis. Based on the available evidence, the clinical significance of this alteration remains unclear.

NM_001367624.2(ZNF469):c.3388C>G (p.Pro1130Ala)

Gene: ZNF469 (zinc finger protein 469; plus strand). Cytogenetic location: 16q24.2.
Variant type: single nucleotide variant.
Coding change: c.3388C>G on transcript NM_001367624.2 (MANE Select); coding-DNA position 3388, C replaced by G.
Protein change: p.Pro1130Ala; replaces proline 1130 with alanine.
Molecular consequence: missense variant.
Genome position (GRCh38, 1-based): chr16:88,430,858, C>G. VCF-style: chr16-88430858-C-G. GRCh37 (hg19) VCF-style: chr16-88497266-C-G.
Other names: NM_001127464.1:c.3304C>G; short protein forms P1130A.
Identifiers: ClinVar variation 3258208 (VCV003258208.1).